The following is an entry in ClinVar:

NM_002470.4(MYH3):c.3845A>G (p.Gln1282Arg)

Gene: MYH3 (myosin heavy chain 3; minus strand). Cytogenetic location: 17p13.1.
Variant type: single nucleotide variant.
Coding change: c.3845A>G on transcript NM_002470.4 (MANE Select); coding-DNA position 3845, A replaced by G.
Protein change: p.Gln1282Arg; replaces glutamine 1282 with arginine.
Molecular consequence: missense variant.
Genome position (GRCh38, 1-based): chr17:10,637,820, T>C on the plus strand (A>G on the coding strand, the complement: MYH3 is on the minus strand). VCF-style: chr17-10637820-T-C. GRCh37 (hg19) VCF-style: chr17-10541137-T-C.
Other names: short protein forms Q1282R.
Identifiers: ClinVar variation 1907652 (VCV001907652.5), dbSNP rs1370382043, ClinGen allele CA398149472.

ClinVar aggregate classification (germline): Uncertain significance (1 of 4 stars; one submission).

Allele frequency attached by ClinVar (database versions not stated): gnomAD exomes below 0.00001; TOPMed below 0.00001; gnomAD 0.00001.

Submission:

Labcorp Genetics (formerly Invitae), Labcorp
Classification: Uncertain significance. Last evaluated: 2022-05-03. Review status: criteria provided, single submitter. Criteria: Invitae Variant Classification Sherloc (09022015). Collection method: clinical testing. Allele origin: germline.
Comment: In summary, the available evidence is currently insufficient to determine the role of this variant in disease. Therefore, it has been classified as a Variant of Uncertain Significance. Algorithms developed to predict the effect of missense changes on protein structure and function (SIFT, PolyPhen-2, Align-GVGD) all suggest that this variant is likely to be disruptive. This variant has not been reported in the literature in individuals affected with MYH3-related conditions. This variant is not present in population databases (gnomAD no frequency). This sequence change replaces glutamine, which is neutral and polar, with arginine, which is basic and polar, at codon 1282 of the MYH3 protein (p.Gln1282Arg).